The following is an entry in ClinVar:

NM_005188.4(CBL):c.77T>C (p.Ile26Thr)

Genes: CBL (Cbl proto-oncogene; plus strand), LOC130006895 (ATAC-STARR-seq lymphoblastoid silent region 3975; plus strand). Cytogenetic location: 11q23.3.
Variant type: single nucleotide variant.
Coding change: c.77T>C on transcript NM_005188.4 (MANE Select); coding-DNA position 77, T replaced by C.
Protein change: p.Ile26Thr; replaces isoleucine 26 with threonine.
Molecular consequence: missense variant.
Genome position (GRCh38, 1-based): chr11:119,206,494, T>C. VCF-style: chr11-119206494-T-C. GRCh37 (hg19) VCF-style: chr11-119077204-T-C.
Other names: short protein forms I26T.
Identifiers: ClinVar variation 1334224 (VCV001334224.8), dbSNP rs2135244100, ClinGen allele CA382975978.

ClinVar aggregate classification (germline): Uncertain significance. Review status: criteria provided, multiple submitters, no conflicts (2 of 4 stars). 2 submissions from 2 submitters: Uncertain significance (2). Last evaluated 2023-01-26.

Conditions:
Noonan syndrome and Noonan-related syndrome. Identifiers: Orphanet 98733, MedGen C5681679, MONDO:0020297.
RASopathy. Also called: rasopathies; Noonan spectrum disorder. Identifiers: Orphanet 536391, MedGen C5555857, MONDO:0021060.

Allele frequency attached by ClinVar (database versions not stated): gnomAD exomes below 0.00001.
gnomAD v4.1: 1 of 1,570,428 alleles (0.000064%); highest among the groups gnomAD compares: Non-Finnish European, 0.000086%; no homozygotes.

Submissions (2):

Labcorp Genetics (formerly Invitae), Labcorp
Classification: Uncertain significance for RASopathy. Last evaluated: 2023-01-26. Review status: criteria provided, single submitter. Criteria: Invitae Variant Classification Sherloc (09022015). Collection method: clinical testing. Allele origin: germline.
Comment: In summary, the available evidence is currently insufficient to determine the role of this variant in disease. Therefore, it has been classified as a Variant of Uncertain Significance. Advanced modeling of protein sequence and biophysical properties (such as structural, functional, and spatial information, amino acid conservation, physicochemical variation, residue mobility, and thermodynamic stability) has been performed at Invitae for this missense variant, however the output from this modeling did not meet the statistical confidence thresholds required to predict the impact of this variant on CBL protein function. ClinVar contains an entry for this variant (Variation ID: 1334224). This variant has not been reported in the literature in individuals affected with CBL-related conditions. This variant is not present in population databases (gnomAD no frequency). This sequence change replaces isoleucine, which is neutral and non-polar, with threonine, which is neutral and polar, at codon 26 of the CBL protein (p.Ile26Thr).

Genome Diagnostics Laboratory, The Hospital for Sick Children
Classification: Uncertain significance for Noonan syndrome and Noonan-related syndrome. Last evaluated: 2018-11-01. Review status: criteria provided, single submitter. Criteria: ACMG Guidelines, 2015. Collection method: clinical testing. Allele origin: germline.